The following is an entry in ClinVar:

NM_000417.3(IL2RA):c.227G>A (p.Trp76Ter)

Gene: IL2RA (interleukin 2 receptor subunit alpha; minus strand). Cytogenetic location: 10p15.1.
Variant type: single nucleotide variant.
Coding change: c.227G>A on transcript NM_000417.3 (MANE Select); coding-DNA position 227, G replaced by A.
Protein change: p.Trp76Ter; replaces tryptophan 76 with a stop codon.
Molecular consequence: nonsense.
Genome position (GRCh38, 1-based): chr10:6,025,863, C>T on the plus strand (G>A on the coding strand, the complement: IL2RA is on the minus strand). VCF-style: chr10-6025863-C-T. GRCh37 (hg19) VCF-style: chr10-6067826-C-T.
Other names: c.227G>A, p.Trp76Ter (NM_001308242.2, NM_001308243.2); short protein forms W76*.
Identifiers: ClinVar variation 2030202 (VCV002030202.4), dbSNP rs2539649661, ClinGen allele CA375929933.

ClinVar aggregate classification (germline): Pathogenic (1 of 4 stars; one submission).

Conditions:
Immunodeficiency due to CD25 deficiency. Also called: IMMUNODEFICIENCY 41 WITH LYMPHOPROLIFERATION AND AUTOIMMUNITY; CD25 DEFICIENCY; IL2RA DEFICIENCY. Identifiers: Orphanet 169100, MedGen C1853392, MONDO:0011664, OMIM 606367.

Submission:

Labcorp Genetics (formerly Invitae), Labcorp
Classification: Pathogenic for Immunodeficiency due to CD25 deficiency. Last evaluated: 2022-09-13. Review status: criteria provided, single submitter. Criteria: Invitae Variant Classification Sherloc (09022015). Collection method: clinical testing. Allele origin: germline.
Comment: This sequence change creates a premature translational stop signal (p.Trp76*) in the IL2RA gene. It is expected to result in an absent or disrupted protein product. Loss-of-function variants in IL2RA are known to be pathogenic (PMID: 9096364, 17196245). This variant is not present in population databases (gnomAD no frequency). This variant has not been reported in the literature in individuals affected with IL2RA-related conditions. For these reasons, this variant has been classified as Pathogenic.

Literature cited by the submitters: PubMed 9096364; PubMed 17196245.